The following is an entry in ClinVar:

ClinVar aggregate classification (germline): Uncertain significance. Review status: criteria provided, multiple submitters, no conflicts (2 of 4 stars). 2 submissions from 2 submitters: Uncertain significance (2). Last evaluated 2025-02-24.

Conditions:
Inborn genetic diseases. Identifiers: MedGen C0950123, MeSH D030342.
Baller-Gerold syndrome (BGS). Also called: CRANIOSYNOSTOSIS WITH RADIAL DEFECTS. Identifiers: Orphanet 1225, MedGen C0265308, MONDO:0009039, OMIM 218600.

Allele frequency attached by ClinVar (database versions not stated): gnomAD exomes below 0.00001 and 0.00001; ExAC 0.00001; TOPMed 0.00001.
gnomAD v4.1: 7 of 1,612,568 alleles (0.00043%); highest among the groups gnomAD compares: Middle Eastern, 0.017%; no homozygotes.

Submissions (2):

Ambry Genetics
Classification: Uncertain significance for Inborn genetic diseases. Last evaluated: 2025-02-24. Review status: criteria provided, single submitter. Criteria: Ambry Variant Classification Scheme 2023. Collection method: clinical testing. Allele origin: germline.
Comment: The p.P978S variant (also known as c.2932C>T), located in coding exon 17 of the RECQL4 gene, results from a C to T substitution at nucleotide position 2932. The proline at codon 978 is replaced by serine, an amino acid with similar properties. This amino acid position is conserved. Based on the available evidence, the clinical significance of this variant remains unclear.

Labcorp Genetics (formerly Invitae), Labcorp
Classification: Uncertain significance for Baller-Gerold syndrome. Last evaluated: 2024-05-06. Review status: criteria provided, single submitter. Criteria: Invitae Variant Classification Sherloc (09022015). Collection method: clinical testing. Allele origin: germline.
Comment: This sequence change replaces proline, which is neutral and non-polar, with serine, which is neutral and polar, at codon 978 of the RECQL4 protein (p.Pro978Ser). This variant is present in population databases (rs770014424, gnomAD no frequency). This variant has not been reported in the literature in individuals affected with RECQL4-related conditions. ClinVar contains an entry for this variant (Variation ID: 1062006). Advanced modeling of protein sequence and biophysical properties (such as structural, functional, and spatial information, amino acid conservation, physicochemical variation, residue mobility, and thermodynamic stability) performed at Invitae indicates that this missense variant is not expected to disrupt RECQL4 protein function with a negative predictive value of 80%. In summary, the available evidence is currently insufficient to determine the role of this variant in disease. Therefore, it has been classified as a Variant of Uncertain Significance.

NM_004260.4(RECQL4):c.2932C>T (p.Pro978Ser)

Gene: RECQL4 (RecQ like helicase 4; minus strand). Cytogenetic location: 8q24.3.
Variant type: single nucleotide variant.
Coding change: c.2932C>T on transcript NM_004260.4 (MANE Select); coding-DNA position 2932, C replaced by T.
Protein change: p.Pro978Ser; replaces proline 978 with serine.
Molecular consequence: missense variant.
Genome position (GRCh38, 1-based): chr8:144,512,515, G>A on the plus strand (C>T on the coding strand, the complement: RECQL4 is on the minus strand). VCF-style: chr8-144512515-G-A. GRCh37 (hg19) VCF-style: chr8-145737898-G-A.
Other names: c.2932C>T (NM_004260.3); short protein forms P978S.
Identifiers: ClinVar variation 1062006 (VCV001062006.6), dbSNP rs770014424, ClinGen allele CA4948000.